The following is an entry in ClinVar:

NM_024996.7(GFM1):c.28G>T (p.Ala10Ser)

Gene: GFM1 (G elongation factor mitochondrial 1; plus strand). Cytogenetic location: 3q25.32.
Variant type: single nucleotide variant.
Coding change: c.28G>T on transcript NM_024996.7 (MANE Select); coding-DNA position 28, G replaced by T.
Protein change: p.Ala10Ser; replaces alanine 10 with serine.
Molecular consequence: missense variant. On other transcripts: 5 prime UTR variant (4), non-coding transcript variant (4).
Genome position (GRCh38, 1-based): chr3:158,644,662, G>T. VCF-style: chr3-158644662-G-T. GRCh37 (hg19) VCF-style: chr3-158362451-G-T.
Other names: c.-202G>T (NM_001374360.1, NM_001374361.1, NM_001374359.1); c.28G>T, p.Ala10Ser (NM_001308164.2, NM_001308166.2, NM_001374355.1 and 2 more transcripts); c.-364G>T (NM_001374357.1); short protein forms A10S.
Identifiers: ClinVar variation 2576701 (VCV002576701.2), dbSNP rs539498045, ClinGen allele CA2682188.

ClinVar aggregate classification (germline): Uncertain significance. Review status: criteria provided, single submitter (1 of 4 stars). 2 submissions from 2 submitters: Uncertain significance (1). 1 of the submissions does not count toward it. Last evaluated 2023-02-17.

Conditions:
Hepatoencephalopathy due to combined oxidative phosphorylation defect type 1. Also called: HEPATOENCEPHALOPATHY, EARLY FATAL PROGRESSIVE. Identifiers: Orphanet 137681, MedGen C1836797, MONDO:0012191, OMIM 609060.

Allele frequency attached by ClinVar (database versions not stated): gnomAD 0.00001; 1000 Genomes Project 30x 0.00016; 1000 Genomes Project 0.00020.

Submissions (2):

GeneDx
Classification: Uncertain significance. Last evaluated: 2023-02-17. Review status: criteria provided, single submitter. Criteria: GeneDx Variant Classification Process June 2021. Collection method: clinical testing. Allele origin: germline. Affected: yes.
Comment: Not observed at significant frequency in large population cohorts (gnomAD); In silico analysis supports that this missense variant does not alter protein structure/function; Has not been previously published as pathogenic or benign to our knowledge

Natera, Inc.
Classification: Uncertain significance for Combined oxidative phosphorylation deficiency 1. Last evaluated: 2025-04-28. Review status: no assertion criteria provided. Collection method: clinical testing. Allele origin: germline. Not counted in ClinVar's aggregate classification.